The following is an entry in ClinVar:

ClinVar aggregate classification (germline): Pathogenic (1 of 4 stars; one submission).

Conditions:
Isolated microphthalmia 2. Identifiers: Orphanet 2542, MedGen C1864720, MONDO:0012409, OMIM 610093.

Submission:

Labcorp Genetics (formerly Invitae), Labcorp
Classification: Pathogenic for Isolated microphthalmia 2. Last evaluated: 2021-09-25. Review status: criteria provided, single submitter. Criteria: Invitae Variant Classification Sherloc (09022015). Collection method: clinical testing. Allele origin: germline.
Comment: This variant has not been reported in the literature in individuals affected with VSX2-related conditions. This variant is not present in population databases (ExAC no frequency). This sequence change creates a premature translational stop signal (p.Ser20Ilefs*21) in the VSX2 gene. It is expected to result in an absent or disrupted protein product. Loss-of-function variants in VSX2 are known to be pathogenic (PMID: 20414678). For these reasons, this variant has been classified as Pathogenic.

Literature cited by the submitters: PubMed 20414678.

NM_182894.3(VSX2):c.59del (p.Ser20fs)

Gene: VSX2 (visual system homeobox 2; plus strand). Cytogenetic location: 14q24.3.
Variant type: Deletion.
Coding change: c.59del on transcript NM_182894.3 (MANE Select); coding-DNA position 59, one base deleted (G; older notation c.59delG).
Protein change: p.Ser20fs; shifts the reading frame from serine 20.
Molecular consequence: frameshift variant.
Genome position (GRCh38, 1-based): chr14:74,239,620, G deleted. VCF-style (leftmost placement, unchanged base first): chr14-74239619-AG-A. GRCh37 (hg19) VCF-style: chr14-74706322-AG-A.
Other names: short protein forms S20fs.
Identifiers: ClinVar variation 1453132 (VCV001453132.6), dbSNP rs2139628344, ClinGen allele CA2573150163.